The following is an entry in ClinVar:

ClinVar aggregate classification (germline): Uncertain significance (1 of 4 stars; one submission).

Allele frequency attached by ClinVar (database versions not stated): gnomAD 0.00005; TOPMed 0.00005; ESP Exome Variant Server 0.00008; ExAC 0.00009.
gnomAD v4.1: 71 of 1,611,562 alleles (0.0044%); highest among the groups gnomAD compares: South Asian, 0.032%; 1 homozygote.

Submission:

Labcorp Genetics (formerly Invitae), Labcorp
Classification: Uncertain significance. Last evaluated: 2023-12-22. Review status: criteria provided, single submitter. Criteria: Invitae Variant Classification Sherloc (09022015). Collection method: clinical testing. Allele origin: germline.
Comment: This sequence change replaces isoleucine, which is neutral and non-polar, with valine, which is neutral and non-polar, at codon 18 of the ITSN2 protein (p.Ile18Val). This variant is present in population databases (rs140770063, gnomAD 0.04%). This variant has not been reported in the literature in individuals affected with ITSN2-related conditions. An algorithm developed to predict the effect of missense changes on protein structure and function (PolyPhen-2) suggests that this variant is likely to be disruptive. In summary, the available evidence is currently insufficient to determine the role of this variant in disease. Therefore, it has been classified as a Variant of Uncertain Significance.

NM_006277.3(ITSN2):c.52A>G (p.Ile18Val)

Gene: ITSN2 (intersectin 2; minus strand). Cytogenetic location: 2p23.3.
Variant type: single nucleotide variant.
Coding change: c.52A>G on transcript NM_006277.3 (MANE Select); coding-DNA position 52, A replaced by G.
Protein change: p.Ile18Val; replaces isoleucine 18 with valine.
Molecular consequence: missense variant.
Genome position (GRCh38, 1-based): chr2:24,315,204, T>C on the plus strand (A>G on the coding strand, the complement: ITSN2 is on the minus strand). VCF-style: chr2-24315204-T-C. GRCh37 (hg19) VCF-style: chr2-24538073-T-C.
Other names: c.52A>G, p.Ile18Val (NM_019595.4, NM_147152.3, NM_001348182.2 and 3 more transcripts); c.10A>G, p.Ile4Val (NM_001348181.2, NM_001348184.2); short protein forms I4V, I18V.
Identifiers: ClinVar variation 2868770 (VCV002868770.3), dbSNP rs140770063, ClinGen allele CA1551880.